The following is an entry in ClinVar:

ClinVar aggregate classification (germline): Likely benign (1 of 4 stars; one submission).

Allele frequency attached by ClinVar (database versions not stated): ExAC 0.00001.
gnomAD v4.1: 1 of 1,613,730 alleles (0.000062%); no homozygotes.

Submission:

CeGaT Center for Human Genetics Tuebingen
Classification: Likely benign. Last evaluated: 2023-09-01. Review status: criteria provided, single submitter. Criteria: CeGaT Center For Human Genetics Tuebingen Variant Classification Criteria Version 2. Collection method: clinical testing. Allele origin: germline. Affected: yes. Observed: 1 variant allele.
Comment: TTN: PM2:Supporting, BP4, BP7

NM_001267550.2(TTN):c.92268T>C (p.Leu30756=)

Genes: TTN (titin; minus strand), TTN-AS1 (TTN antisense RNA 1; plus strand). Cytogenetic location: 2q31.2.
Variant type: single nucleotide variant.
Coding change: c.92268T>C on transcript NM_001267550.2 (MANE Select); coding-DNA position 92268, T replaced by C.
Protein change: p.Leu30756=; no amino-acid change (leucine 30756 retained).
Molecular consequence: synonymous variant.
Genome position (GRCh38, 1-based): chr2:178,549,358, A>G on the plus strand (T>C on the coding strand, the complement: TTN is on the minus strand). VCF-style: chr2-178549358-A-G. GRCh37 (hg19) VCF-style: chr2-179414085-A-G.
Other names: c.65073T>C, p.Leu21691= (NM_003319.4); c.84564T>C, p.Leu28188= (NM_133378.4); c.65448T>C, p.Leu21816= (NM_133432.3); c.65649T>C, p.Leu21883= (NM_133437.4); c.87345T>C, p.Leu29115= (NM_001256850.1).
Identifiers: ClinVar variation 2578879 (VCV002578879.25), dbSNP rs777720958, ClinGen allele CA1987462.